The following is an entry in ClinVar:

NM_001754.5(RUNX1):c.1300A>G (p.Asn434Asp)

Gene: RUNX1 (RUNX family transcription factor 1; minus strand). Cytogenetic location: 21q22.12.
Variant type: single nucleotide variant.
Coding change: c.1300A>G on transcript NM_001754.5 (MANE Select); coding-DNA position 1300, A replaced by G.
Protein change: p.Asn434Asp; replaces asparagine 434 with aspartic acid.
Molecular consequence: missense variant.
Genome position (GRCh38, 1-based): chr21:34,792,278, T>C on the plus strand (A>G on the coding strand, the complement: RUNX1 is on the minus strand). VCF-style: chr21-34792278-T-C. GRCh37 (hg19) VCF-style: chr21-36164575-T-C.
Other names: NM_001754.5(RUNX1):c.1300A>G; p.Asn434Asp; c.1219A>G, p.Asn407Asp (NM_001001890.3); short protein forms N434D, N407D.
Identifiers: ClinVar variation 532666 (VCV000532666.10), dbSNP rs1555884837, ClinGen allele CA410147457.

ClinVar aggregate classification (germline): Uncertain significance. Review status: reviewed by expert panel (3 of 4 stars). 2 submissions from 2 submitters: Uncertain significance (1). 1 of the submissions does not count toward it. Last evaluated 2025-01-15.

Conditions:
Hereditary thrombocytopenia and hematologic cancer predisposition syndrome. Identifiers: Orphanet 71290, MedGen CN281654, MONDO:0011071.
Hereditary thrombocytopenia and hematological cancer predisposition syndrome associated with RUNX1. Also called: Familial Platelet Disorder with Propensity to Acute Myelogenous Leukemia; Familial thrombocytopenia with propensity to acute myelogenous leukemia; RUNX1 Familial Platelet Disorder with Associated Myeloid Malignancies; PLATELET DISORDER, ASPIRIN-LIKE. Identifiers: Orphanet 71290, MedGen C1832388, MeSH C563324, MONDO:0100083, OMIM 601399.

Submissions (2):

ClinGen Myeloid Malignancy Variant Curation Expert Panel
Classification: Uncertain significance for Hereditary thrombocytopenia and hematologic cancer predisposition syndrome. Last evaluated: 2025-01-15. Review status: reviewed by expert panel. Criteria: ClinGen MyeloMalig ACMG Specifications v2. Collection method: curation. Allele origin: germline. Inheritance: Autosomal dominant inheritance.
Comment: NM_001754.5(RUNX1):c.1300A>G (p.Asn434Asp) is a missense variant located in exon 9. This variant is absent from all population databases, including gnomAD v2.1.1 and gnomAD v3.1.2, which provide at least 20x coverage for the RUNX1 gene at this position (PM2_supporting). It has a REVEL score of 0.169 (≤0.50), and no evidence supports an impact on splicing, as indicated by a SpliceAI score of 0.00 (BP4). This variant has not been previously reported, and no pathogenic or likely pathogenic amino acid changes have been documented at the same residue. In summary, the clinical significance of this variant is uncertain. ACMG/AMP criteria applied, as specified by the Myeloid Malignancy Variant Curation Expert Panel for RUNX1: PM2_supporting, BP4.

Labcorp Genetics (formerly Invitae), Labcorp
Classification: Uncertain significance for Hereditary thrombocytopenia and hematological cancer predisposition syndrome associated with RUNX1. Last evaluated: 2017-12-09. Review status: criteria provided, single submitter. Criteria: Invitae Variant Classification Sherloc (09022015). Collection method: clinical testing. Allele origin: germline. Not counted in ClinVar's aggregate classification.
Comment: While this variant is not present in population databases, the frequency information is unreliable, as metrics indicate poor data quality at this position in the ExAC database. In summary, the available evidence is currently insufficient to determine the role of this variant in disease. Therefore, it has been classified as a Variant of Uncertain Significance. Algorithms developed to predict the effect of missense changes on protein structure and function do not agree on the potential impact of this missense change (SIFT: "Tolerated"; PolyPhen-2: "Possibly Damaging"; Align-GVGD: "Class C0"). This variant has not been reported in the literature in individuals with RUNX1-related disease. This sequence change replaces asparagine with aspartic acid at codon 434 of the RUNX1 protein (p.Asn434Asp). The asparagine residue is moderately conserved and there is a small physicochemical difference between asparagine and aspartic acid.